The following is an entry in ClinVar:

ClinVar aggregate classification (germline): Benign. Review status: criteria provided, multiple submitters, no conflicts (2 of 4 stars). 3 submissions from 3 submitters: Benign (2). 1 of the submissions does not count toward it. Last evaluated 2026-02-01.

Conditions:
CIB1-related disorder. Also called: CIB1-related condition.

Allele frequency attached by ClinVar (database versions not stated): gnomAD exomes 0.00124 and 0.00309; ExAC 0.00370; 1000 Genomes Project 30x 0.00812; 1000 Genomes Project 0.00879; gnomAD 0.01116 and 0.01197; TOPMed 0.01255; ESP Exome Variant Server 0.01270.
gnomAD v4.1: 3,601 of 1,614,120 alleles (0.22%); highest among the groups gnomAD compares: African/African-American, 3.8%; 70 homozygotes.

Submissions (3):

Labcorp Genetics (formerly Invitae), Labcorp
Classification: Benign. Last evaluated: 2026-02-01. Review status: criteria provided, single submitter. Criteria: Invitae Variant Classification Sherloc (09022015). Collection method: clinical testing. Allele origin: germline.

Breakthrough Genomics
Classification: Benign. Review status: criteria provided, single submitter. Criteria: ACMG Guidelines, 2015. Collection method: not provided. Allele origin: germline. Inheritance: Autosomal recessive inheritance. Affected: yes.

PreventionGenetics, part of Exact Sciences
Classification: Benign for CIB1-related condition. Last evaluated: 2019-06-10. Review status: no assertion criteria provided. Collection method: clinical testing. Allele origin: germline. Not counted in ClinVar's aggregate classification.
Comment: This variant is classified as benign based on ACMG/AMP sequence variant interpretation guidelines (Richards et al. 2015 PMID: 25741868, with internal and published modifications).

NM_006384.4(CIB1):c.435T>C (p.Ser145=)

Gene: CIB1 (calcium and integrin binding 1; minus strand). Cytogenetic location: 15q26.1.
Variant type: single nucleotide variant.
Coding change: c.435T>C on transcript NM_006384.4 (MANE Select); coding-DNA position 435, T replaced by C.
Protein change: p.Ser145=; no amino-acid change (serine 145 retained).
Molecular consequence: synonymous variant. On other transcripts: non-coding transcript variant (2).
Genome position (GRCh38, 1-based): chr15:90,231,125, A>G on the plus strand (T>C on the coding strand, the complement: CIB1 is on the minus strand). VCF-style: chr15-90231125-A-G. GRCh37 (hg19) VCF-style: chr15-90774357-A-G.
Other names: c.555T>C, p.Ser185= (NM_001277764.2).
Identifiers: ClinVar variation 710077 (VCV000710077.14), dbSNP rs34958365, ClinGen allele CA7734182.
Genomic context (GRCh38, chr15:90,231,125, plus strand): 5'-TCCCGCTCCCAGGCCTGCTCAGCTGCTCACGTTGTCGATGAGCTGCTTCATCTCAGACGC[A>G]CTAAGCCGTGTGTCCTCGCCCTCTCCCGTGAGGCAGTTCACCAGCCGGCTCAGGTCTTCT-3'
Protein context (NP_006375.2, residues 135-155): LTGEGEDTRL[Ser145=]ASEMKQLIDN